The following is an entry in ClinVar:

NM_000718.4(CACNA1B):c.6830_6831delinsTG (p.Thr2277Met)

Gene: CACNA1B (calcium voltage-gated channel subunit alpha1 B; plus strand). Cytogenetic location: 9q34.3.
Variant type: Indel.
Coding change: c.6830_6831delinsTG on transcript NM_000718.4 (MANE Select); coding-DNA positions 6830 to 6831, CT replaced by TG.
Protein change: p.Thr2277Met; replaces threonine 2277 with methionine.
Molecular consequence: missense variant.
Genome position (GRCh38, 1-based): chr9:138,121,809-138,121,810, CT replaced by TG. VCF-style: chr9-138121809-CT-TG. GRCh37 (hg19) VCF-style: chr9-141016261-CT-TG.
Other names: c.6643_6644delinsTG, p.Leu2215Cys (NM_001243812.2); short protein forms L2215C, T2277M.
Identifiers: ClinVar variation 2182135 (VCV002182135.2), dbSNP rs2539619563, ClinGen allele CA2580081066.

ClinVar aggregate classification (germline): Uncertain significance (1 of 4 stars; one submission).

Submission:

Labcorp Genetics (formerly Invitae), Labcorp
Classification: Uncertain significance. Last evaluated: 2023-11-27. Review status: criteria provided, single submitter. Criteria: Invitae Variant Classification Sherloc (09022015). Collection method: clinical testing. Allele origin: germline.
Comment: This sequence change replaces threonine, which is neutral and polar, with methionine, which is neutral and non-polar, at codon 2277 of the CACNA1B protein (p.Thr2277Met). The frequency data for this variant in the population databases is considered unreliable, as metrics indicate poor data quality at this position in the gnomAD database. This variant has not been reported in the literature in individuals affected with CACNA1B-related conditions. ClinVar contains an entry for this variant (Variation ID: 2182135). An algorithm developed to predict the effect of missense changes on protein structure and function (PolyPhen-2) suggests that this variant is likely to be disruptive. In summary, the available evidence is currently insufficient to determine the role of this variant in disease. Therefore, it has been classified as a Variant of Uncertain Significance.